The following is an entry in ClinVar:

ClinVar aggregate classification (germline): Uncertain significance (1 of 4 stars; one submission).

Conditions:
C3 glomerulonephritis. Also called: C3 GLOMERULOPATHY 3; Nephropathy due to CFHR5 Deficiency. Identifiers: Orphanet 329931, MedGen C4055342, MONDO:0013892, OMIM 614809.

Submission:

Genomenon, Inc
Classification: Uncertain significance for C3 glomerulonephritis. Last evaluated: 2025-09-30. Review status: criteria provided, single submitter. Criteria: Genomenon Sequence Variant Interpretation Standards. Collection method: curation. Allele origin: germline. Affected: yes.
Comment: C3 p.Val547Leu (c.1639G>C) is a missense variant that changes the amino acid at residue 547 from Valine to Leucine. This variant has been observed in at least one proband affected with C3 glomerulonephritis (PMID:39081762). It is absent or not present at a significant frequency in gnomAD. In conclusion, we classify C3 p.Val547Leu (c.1639G>C) as a variant of unknown significance.

Literature cited by the submitters: PubMed 39081762.

NM_000064.4(C3):c.1639G>C (p.Val547Leu)

Gene: C3 (complement C3; minus strand). Cytogenetic location: 19p13.3.
Variant type: single nucleotide variant.
Coding change: c.1639G>C on transcript NM_000064.4 (MANE Select); coding-DNA position 1639, G replaced by C.
Protein change: p.Val547Leu; replaces valine 547 with leucine.
Molecular consequence: missense variant.
Genome position (GRCh38, 1-based): chr19:6,710,686, C>G on the plus strand (G>C on the coding strand, the complement: C3 is on the minus strand). VCF-style: chr19-6710686-C-G. GRCh37 (hg19) VCF-style: chr19-6710697-C-G.
Other names: short protein forms V547L.
Identifiers: ClinVar variation 4280290 (VCV004280290.1).